The following is an entry in ClinVar:

ClinVar aggregate classification (germline): Uncertain significance (1 of 4 stars; one submission).

Submission:

Labcorp Genetics (formerly Invitae), Labcorp
Classification: Uncertain significance. Last evaluated: 2024-04-10. Review status: criteria provided, single submitter. Criteria: Invitae Variant Classification Sherloc (09022015). Collection method: clinical testing. Allele origin: germline.
Comment: This variant, c.839_847del, results in the deletion of 3 amino acid(s) of the NUP62 protein (p.Thr280_Thr282del), but otherwise preserves the integrity of the reading frame. This variant is present in population databases (rs780547565, gnomAD 0.002%). This variant has not been reported in the literature in individuals affected with NUP62-related conditions. Experimental studies and prediction algorithms are not available or were not evaluated, and the functional significance of this variant is currently unknown. In summary, the available evidence is currently insufficient to determine the role of this variant in disease. Therefore, it has been classified as a Variant of Uncertain Significance.

NM_016553.5(NUP62):c.836CCA[1] (p.Thr280_Thr282del)

Genes: IL4I1 (interleukin 4 induced 1; minus strand), NUP62 (nucleoporin 62; minus strand). Cytogenetic location: 19q13.33.
Variant type: Microsatellite.
Coding change: c.836CCA[1] on transcript NM_016553.5 (MANE Select); one copy of the 3-base unit CCA starting at c.836; the reference has four copies in a row; three copies, 9 bases deleted.
Protein change: p.Thr280_Thr282del.
Molecular consequence: inframe deletion. On other transcripts: intron variant (3).
Genome position (GRCh38, 1-based): chr19:49,908,961-49,908,969, TGGTGGTGG deleted on the plus strand (CCACCACCA on the coding strand, the reverse complement: NUP62 is on the minus strand); deleting any 9 consecutive bases within chr19:49,908,961-49,908,972 gives the same sequence; the position shown is the placement nearest the transcript's 3' end. VCF-style (leftmost placement, unchanged base first): chr19-49908960-CTGGTGGTGG-C. GRCh37 (hg19) VCF-style: chr19-50412217-CTGGTGGTGG-C.
Other names: c.836CCA[1], p.Thr280_Thr282del (NM_001193357.2, NM_012346.5, NM_153718.4 and 1 more transcripts); c.-227-4648_-227-4640del (NM_001258017.2, NM_172374.3); c.-285-4648_-285-4640del (NM_001258018.2).
Identifiers: ClinVar variation 3606583 (VCV003606583.2).